The following is an entry in ClinVar:

ClinVar aggregate classification (germline): Uncertain significance. Review status: criteria provided, multiple submitters, no conflicts (2 of 4 stars). 2 submissions from 2 submitters: Uncertain significance (2). Last evaluated 2025-09-29.

Conditions:
TNF receptor-associated periodic fever syndrome (TRAPS) (FPF). Also called: TNF Receptor-Associated Periodic Fever Syndrome; TNF receptor 1-associated periodic fever syndrome; FAMILIAL HIBERNIAN FEVER; TNF RECEPTOR-ASSOCIATED PERIODIC SYNDROME; TUMOR NECROSIS FACTOR RECEPTOR-ASSOCIATED PERIODIC SYNDROME; Autosomal Dominant Familial Periodic Fever. Identifiers: Orphanet 32960, MedGen C1275126, MONDO:0007727, OMIM 142680.

Allele frequency attached by ClinVar (database versions not stated): TOPMed 0.00003; 1000 Genomes Project 30x 0.00016; 1000 Genomes Project 0.00020; gnomAD exomes below 0.00001 and 0.00001; ExAC 0.00001; gnomAD 0.00003.

Submissions (2):

Labcorp Genetics (formerly Invitae), Labcorp
Classification: Uncertain significance for TNF receptor-associated periodic fever syndrome (TRAPS). Last evaluated: 2025-09-29. Review status: criteria provided, single submitter. Criteria: Invitae Variant Classification Sherloc (09022015). Collection method: clinical testing. Allele origin: germline.
Comment: This sequence change replaces glutamic acid, which is acidic and polar, with lysine, which is basic and polar, at codon 178 of the TNFRSF1A protein (p.Glu178Lys). This variant is present in population databases (rs538872981, gnomAD 0.008%). This variant has not been reported in the literature in individuals affected with TNFRSF1A-related conditions. ClinVar contains an entry for this variant (Variation ID: 310111). An algorithm developed to predict the effect of missense changes on protein structure and function outputs the following: PolyPhen-2: "Benign". The lysine amino acid residue is found in multiple mammalian species, which suggests that this missense change does not adversely affect protein function. In summary, the available evidence is currently insufficient to determine the role of this variant in disease. Therefore, it has been classified as a Variant of Uncertain Significance.

Illumina Laboratory Services, Illumina
Classification: Uncertain significance for TNF receptor-associated periodic fever syndrome (TRAPS). Last evaluated: 2018-01-12. Review status: criteria provided, single submitter. Criteria: ICSL Variant Classification Criteria 13 December 2019. Collection method: clinical testing. Allele origin: germline.

NM_001065.4(TNFRSF1A):c.532G>A (p.Glu178Lys)

Gene: TNFRSF1A (TNF receptor superfamily member 1A; minus strand). Cytogenetic location: 12p13.31.
Variant type: single nucleotide variant.
Coding change: c.532G>A on transcript NM_001065.4 (MANE Select); coding-DNA position 532, G replaced by A.
Protein change: p.Glu178Lys; replaces glutamic acid 178 with lysine.
Molecular consequence: missense variant. On other transcripts: 5 prime UTR variant (1), non-coding transcript variant (1).
Genome position (GRCh38, 1-based): chr12:6,333,088, C>T on the plus strand (G>A on the coding strand, the complement: TNFRSF1A is on the minus strand). VCF-style: chr12-6333088-C-T. GRCh37 (hg19) VCF-style: chr12-6442254-C-T.
Other names: c.208G>A, p.Glu70Lys (NM_001346091.2); c.-46G>A (NM_001346092.2); short protein forms E178K, E70K.
Identifiers: ClinVar variation 310111 (VCV000310111.6), dbSNP rs538872981, ClinGen allele CA6405483.